The following is an entry in ClinVar:

NM_138386.3(NAF1):c.757G>T (p.Val253Leu)

Gene: NAF1 (nuclear assembly factor 1 ribonucleoprotein; minus strand). Cytogenetic location: 4q32.2.
Variant type: single nucleotide variant.
Coding change: c.757G>T on transcript NM_138386.3 (MANE Select); coding-DNA position 757, G replaced by T.
Protein change: p.Val253Leu; replaces valine 253 with leucine.
Molecular consequence: missense variant.
Genome position (GRCh38, 1-based): chr4:163,140,344, C>A on the plus strand (G>T on the coding strand, the complement: NAF1 is on the minus strand). VCF-style: chr4-163140344-C-A. GRCh37 (hg19) VCF-style: chr4-164061496-C-A.
Other names: c.757G>T, p.Val253Leu (NM_001128931.2); short protein forms V253L.
Identifiers: ClinVar variation 3402525 (VCV003402525.3).

ClinVar aggregate classification (germline): Uncertain significance. Review status: criteria provided, multiple submitters, no conflicts (2 of 4 stars). 2 submissions from 2 submitters: Uncertain significance (2). Last evaluated 2025-05-07.

gnomAD v4.1: 126 of 1,607,726 alleles (0.0078%); highest among the groups gnomAD compares: Middle Eastern, 0.017%; no homozygotes.

Submissions (2):

Labcorp Genetics (formerly Invitae), Labcorp
Classification: Uncertain significance. Last evaluated: 2025-05-07. Review status: criteria provided, single submitter. Criteria: Invitae Variant Classification Sherloc (09022015). Collection method: clinical testing. Allele origin: germline.
Comment: This sequence change replaces valine, which is neutral and non-polar, with leucine, which is neutral and non-polar, at codon 253 of the NAF1 protein (p.Val253Leu). This variant is present in population databases (rs184757199, gnomAD 0.01%). This variant has not been reported in the literature in individuals affected with NAF1-related conditions. ClinVar contains an entry for this variant (Variation ID: 3402525). An algorithm developed to predict the effect of missense changes on protein structure and function (PolyPhen-2) suggests that this variant is likely to be disruptive. In summary, the available evidence is currently insufficient to determine the role of this variant in disease. Therefore, it has been classified as a Variant of Uncertain Significance.

Ambry Genetics
Classification: Uncertain significance. Last evaluated: 2024-11-15. Review status: criteria provided, single submitter. Criteria: Ambry Variant Classification Scheme 2023. Collection method: clinical testing. Allele origin: germline.